The following is an entry in ClinVar:

ClinVar aggregate classification (germline): Uncertain significance. Review status: criteria provided, multiple submitters, no conflicts (2 of 4 stars). 2 submissions from 2 submitters: Uncertain significance (2). Last evaluated 2024-11-12.

Conditions:
Cardiovascular phenotype. Identifiers: MedGen CN230736.

Allele frequency attached by ClinVar (database versions not stated): ExAC 0.00001; gnomAD 0.00001; TOPMed 0.00001.
gnomAD v4.1: 6 of 1,613,598 alleles (0.00037%); highest among the groups gnomAD compares: African/African-American, 0.008%; no homozygotes.

Submissions (2):

GeneDx
Classification: Uncertain significance. Last evaluated: 2024-11-12. Review status: criteria provided, single submitter. Criteria: GeneDx Variant Classification Process June 2021. Collection method: clinical testing. Allele origin: germline. Affected: yes.
Comment: Not observed at significant frequency in large population cohorts (gnomAD); In silico analysis indicates that this missense variant does not alter protein structure/function; Has not been previously published as pathogenic or benign to our knowledge

Ambry Genetics
Classification: Uncertain significance for Cardiovascular phenotype. Last evaluated: 2024-01-29. Review status: criteria provided, single submitter. Criteria: Ambry Variant Classification Scheme 2023. Collection method: clinical testing. Allele origin: germline.
Comment: The p.A144G variant (also known as c.431C>G), located in coding exon 4 of the NEXN gene, results from a C to G substitution at nucleotide position 431. The alanine at codon 144 is replaced by glycine, an amino acid with similar properties. This amino acid position is highly conserved in available vertebrate species. In addition, the in silico prediction for this alteration is inconclusive. Since supporting evidence is limited at this time, the clinical significance of this alteration remains unclear.

NM_144573.4(NEXN):c.431C>G (p.Ala144Gly)

Genes: NEXN (nexilin F-actin binding protein; plus strand), LOC126805765 (BRD4-independent group 4 enhancer GRCh37_chr1:78383688-78384887; plus strand). Cytogenetic location: 1p31.1.
Variant type: single nucleotide variant.
Coding change: c.431C>G on transcript NM_144573.4 (MANE Select); coding-DNA position 431, C replaced by G.
Protein change: p.Ala144Gly; replaces alanine 144 with glycine.
Molecular consequence: missense variant.
Genome position (GRCh38, 1-based): chr1:77,918,257, C>G. VCF-style: chr1-77918257-C-G. GRCh37 (hg19) VCF-style: chr1-78383942-C-G.
Other names: c.239C>G, p.Ala80Gly (NM_001172309.2); short protein forms A80G, A144G.
Identifiers: ClinVar variation 1739683 (VCV001739683.3), dbSNP rs767335232, ClinGen allele CA918633.